The following is an entry in ClinVar:

NM_001145026.2(PTPRQ):c.3006A>C (p.Val1002=)

Gene: PTPRQ (protein tyrosine phosphatase receptor type Q; plus strand). Cytogenetic location: 12q21.31.
Variant type: single nucleotide variant.
Coding change: c.3006A>C on transcript NM_001145026.2 (MANE Select); coding-DNA position 3006, A replaced by C.
Protein change: p.Val1002=; no amino-acid change (valine 1002 retained).
Molecular consequence: synonymous variant.
Genome position (GRCh38, 1-based): chr12:80,539,796, A>C. VCF-style: chr12-80539796-A-C. GRCh37 (hg19) VCF-style: chr12-80933575-A-C.
Identifiers: ClinVar variation 4874689 (VCV004874689.2).
Genomic context (GRCh38, chr12:80,539,796, plus strand): 5'-AAAAAATACATTCTGAACAATGAATGTGTTTATTTTTCAGAATTTTACACTCCATGAAGT[A>C]ACCAATGACTTTGACAATATGACTGTATCCACAATTATAGATAAACTGACAATATTCAGC-3'
Protein context (NP_001138498.1, residues 992-1012): TFMQNFTLHE[Val1002=]TNDFDNMTVS

ClinVar aggregate classification (germline): Likely benign (1 of 4 stars; one submission).

gnomAD v4.1: 1 of 1,546,478 alleles (0.000065%); highest among the groups gnomAD compares: Admixed American, 0.002%; no homozygotes.

Submission:

CeGaT Center for Human Genetics Tuebingen
Classification: Likely benign. Last evaluated: 2026-04-01. Review status: criteria provided, single submitter. Criteria: CeGaT Center For Human Genetics Tuebingen Variant Classification Criteria Version 2. Collection method: clinical testing. Allele origin: germline. Affected: yes. Observed: 1 variant allele.
Comment: PTPRQ: BP4, BP7